The following is an entry in ClinVar:

ClinVar aggregate classification (germline): Likely benign (1 of 4 stars; one submission).

Allele frequency attached by ClinVar (database versions not stated): ExAC 0.00007; TOPMed 0.00004; gnomAD 0.00005; gnomAD exomes 0.00006.
gnomAD v4.1: 90 of 1,613,716 alleles (0.0056%); highest among the groups gnomAD compares: Non-Finnish European, 0.0072%; no homozygotes.

Submission:

CeGaT Center for Human Genetics Tuebingen
Classification: Likely benign. Last evaluated: 2022-07-01. Review status: criteria provided, single submitter. Criteria: CeGaT Center For Human Genetics Tuebingen Variant Classification Criteria Version 2. Collection method: clinical testing. Allele origin: germline. Affected: yes. Observed: 1 variant allele.
Comment: YAP1: BP4, BS2

NM_001130145.3(YAP1):c.1245C>T (p.Asp415=)

Gene: YAP1 (Yes1 associated transcriptional regulator; plus strand). Cytogenetic location: 11q22.1.
Variant type: single nucleotide variant.
Coding change: c.1245C>T on transcript NM_001130145.3 (MANE Select); coding-DNA position 1245, C replaced by T.
Protein change: p.Asp415=; no amino-acid change (aspartic acid 415 retained).
Molecular consequence: synonymous variant.
Genome position (GRCh38, 1-based): chr11:102,227,550, C>T. VCF-style: chr11-102227550-C-T. GRCh37 (hg19) VCF-style: chr11-102098281-C-T.
Other names: c.1197C>T, p.Asp399= (NM_001195044.2); c.711C>T, p.Asp237= (NM_001195045.2); c.1131C>T, p.Asp377= (NM_001282097.2); c.1095C>T, p.Asp365= (NM_001282098.2); c.1143C>T, p.Asp381= (NM_001282099.2); c.1209C>T, p.Asp403= (NM_001282100.2); c.1257C>T, p.Asp419= (NM_001282101.2); c.1083C>T, p.Asp361= (NM_006106.5).
Identifiers: ClinVar variation 2642316 (VCV002642316.24), dbSNP rs745815140, ClinGen allele CA6246481.